The following is an entry in ClinVar:

ClinVar aggregate classification (germline): Uncertain significance (1 of 4 stars; one submission).

gnomAD v4.1: 1 of 1,613,982 alleles (0.000062%); highest among the groups gnomAD compares: Non-Finnish European, 0.000085%; no homozygotes.

Submission:

GeneDx
Classification: Uncertain significance. Last evaluated: 2026-02-25. Review status: criteria provided, single submitter. Criteria: GeneDx Variant Classification Process June 2021. Collection method: clinical testing. Allele origin: germline.
Comment: Not observed at significant frequency in large population cohorts (gnomAD); In silico analysis supports that this missense variant has a deleterious effect on protein structure/function; Has not been previously published as pathogenic or benign to our knowledge; Occurs in the triple helical domain at the X position in the canonical Gly-X-Y repeat; although this variant may have an effect on normal protein folding and function, missense substitution at the X position is not a common mechanism of disease (HGMD)

NM_001844.5(COL2A1):c.2990T>G (p.Leu997Trp)

Gene: COL2A1 (collagen type II alpha 1 chain; minus strand). Cytogenetic location: 12q13.11.
Variant type: single nucleotide variant.
Coding change: c.2990T>G on transcript NM_001844.5 (MANE Select); coding-DNA position 2990, T replaced by G.
Protein change: p.Leu997Trp; replaces leucine 997 with tryptophan.
Molecular consequence: missense variant.
Genome position (GRCh38, 1-based): chr12:47,978,304, A>C on the plus strand (T>G on the coding strand, the complement: COL2A1 is on the minus strand). VCF-style: chr12-47978304-A-C. GRCh37 (hg19) VCF-style: chr12-48372087-A-C.
Other names: c.2783T>G, p.Leu928Trp (NM_033150.3); short protein forms L928W, L997W.
Identifiers: ClinVar variation 5009813 (VCV005009813.1).